The following is an entry in ClinVar:

NM_001378615.1(CC2D2A):c.3805G>A (p.Ala1269Thr)

Genes: CC2D2A (coiled-coil and C2 domain containing 2A; plus strand), FBXL5 (F-box and leucine rich repeat protein 5; minus strand). Cytogenetic location: 4p15.32.
Variant type: single nucleotide variant.
Coding change: c.3805G>A on transcript NM_001378615.1 (MANE Select); coding-DNA position 3805, G replaced by A.
Protein change: p.Ala1269Thr; replaces alanine 1269 with threonine.
Molecular consequence: missense variant.
Genome position (GRCh38, 1-based): chr4:15,580,001, G>A. VCF-style: chr4-15580001-G-A. GRCh37 (hg19) VCF-style: chr4-15581624-G-A.
Other names: c.3805G>A, p.Ala1269Thr (NM_001080522.2); c.3658G>A, p.Ala1220Thr (NM_001378617.1); short protein forms A1220T, A1269T.
Identifiers: ClinVar variation 838799 (VCV000838799.7), dbSNP rs753246574, ClinGen allele CA356425535.

ClinVar aggregate classification (germline): Uncertain significance (1 of 4 stars; one submission).

Conditions:
Meckel-Gruber syndrome. Also called: Dysencephalia splachnocystica; DYSENCEPHALIA SPLANCHNOCYSTICA; GRUBER SYNDROME. Identifiers: Orphanet 564, MedGen C0265215, MONDO:0018921.
Joubert syndrome. Also called: JOUBERT-BOLTSHAUSER SYNDROME; Familial aplasia of the vermis. Identifiers: Orphanet 475, MedGen C5979921, MONDO:0018772.

Allele frequency attached by ClinVar (database versions not stated): TOPMed below 0.00001.

Submission:

Labcorp Genetics (formerly Invitae), Labcorp
Classification: Uncertain significance for Joubert syndrome; Meckel-Gruber syndrome. Last evaluated: 2021-08-24. Review status: criteria provided, single submitter. Criteria: Invitae Variant Classification Sherloc (09022015). Collection method: clinical testing. Allele origin: germline.
Comment: This sequence change replaces alanine with threonine at codon 1269 of the CC2D2A protein (p.Ala1269Thr). The alanine residue is moderately conserved and there is a small physicochemical difference between alanine and threonine. This variant is not present in population databases (ExAC no frequency). This variant has not been reported in the literature in individuals affected with CC2D2A-related conditions. Algorithms developed to predict the effect of missense changes on protein structure and function are either unavailable or do not agree on the potential impact of this missense change (SIFT: "Tolerated"; PolyPhen-2: "Possibly Damaging"; Align-GVGD: "Class C0"). In summary, the available evidence is currently insufficient to determine the role of this variant in disease. Therefore, it has been classified as a Variant of Uncertain Significance.